The following is an entry in ClinVar:

NM_000548.5(TSC2):c.5004del (p.Phe1668fs)

Gene: TSC2 (TSC complex subunit 2; plus strand). Cytogenetic location: 16p13.3.
Variant type: Deletion.
Coding change: c.5004del on transcript NM_000548.5 (MANE Select); coding-DNA position 5004, one base deleted (T; older notation c.5004delT).
Protein change: p.Phe1668fs; shifts the reading frame from phenylalanine 1668.
Molecular consequence: frameshift variant. On other transcripts: non-coding transcript variant (5).
Genome position (GRCh38, 1-based): chr16:2,087,877, T deleted; the last of 3 consecutive T bases (chr16:2,087,875-2,087,877); deleting any one gives the same sequence. VCF-style (leftmost placement, unchanged base first): chr16-2087874-CT-C. GRCh37 (hg19) VCF-style: chr16-2137875-CT-C.
Other names: c.4803del, p.Phe1601fs (NM_001077183.3); c.4935del, p.Phe1645fs (NM_001114382.3); c.4695del, p.Phe1565fs (NM_001318827.2); c.4659del, p.Phe1553fs (NM_001318829.2); c.4272del, p.Phe1424fs (NM_001318831.2); c.4836del, p.Phe1612fs (NM_001318832.2); c.4806del, p.Phe1602fs (NM_001363528.2); c.4872del, p.Phe1624fs (NM_001370404.1); and 26 more; short protein forms F1154fs, F1444fs, F1468fs, F1595fs, F1608fs, F1631fs, F1644fs, F1668fs.
Identifiers: ClinVar variation 4726189 (VCV004726189.2).

ClinVar aggregate classification (germline): Pathogenic/Likely pathogenic. Review status: criteria provided, multiple submitters, no conflicts (2 of 4 stars). 2 submissions from 2 submitters: Pathogenic (1); Likely pathogenic (1). Last evaluated 2025-08-29.

Conditions:
Tuberous sclerosis 2 (TSC2). Identifiers: Orphanet 805, MedGen C1860707, MONDO:0013199, OMIM 613254.
TSC2-related disorder. Also called: TSC2-related condition; TSC2-Related Disorders.

Submissions (2):

Labcorp Genetics (formerly Invitae), Labcorp
Classification: Pathogenic for Tuberous sclerosis 2. Last evaluated: 2025-08-29. Review status: criteria provided, single submitter. Criteria: Invitae Variant Classification Sherloc (09022015). Collection method: clinical testing. Allele origin: germline.
Comment: This sequence change creates a premature translational stop signal (p.Phe1668Leufs*4) in the TSC2 gene. It is expected to result in an absent or disrupted protein product. Loss-of-function variants in TSC2 are known to be pathogenic (PMID: 10205261, 17304050). This variant is not present in population databases (gnomAD no frequency). This variant has not been reported in the literature in individuals affected with TSC2-related conditions. For these reasons, this variant has been classified as Pathogenic.

Blueprint Genetics
Classification: Likely pathogenic for TSC2-related disorders. Last evaluated: 2022-12-27. Review status: criteria provided, single submitter. Criteria: ACMG Guidelines, 2015. Collection method: clinical testing. Allele origin: germline. Affected: yes. Observed: 1 variant allele.

Literature cited by the submitters: PubMed 10205261 (cited by Labcorp Genetics (formerly Invitae), Labcorp); PubMed 17304050 (cited by Labcorp Genetics (formerly Invitae), Labcorp).